The following is an entry in ClinVar:

NM_001190274.2(FBXO11):c.769C>T (p.Pro257Ser)

Gene: FBXO11 (F-box protein 11; minus strand). Cytogenetic location: 2p16.3.
Variant type: single nucleotide variant.
Coding change: c.769C>T on transcript NM_001190274.2 (MANE Select); coding-DNA position 769, C replaced by T.
Protein change: p.Pro257Ser; replaces proline 257 with serine.
Molecular consequence: missense variant.
Genome position (GRCh38, 1-based): chr2:47,834,820, G>A on the plus strand (C>T on the coding strand, the complement: FBXO11 is on the minus strand). VCF-style: chr2-47834820-G-A. GRCh37 (hg19) VCF-style: chr2-48061959-G-A.
Other names: c.517C>T, p.Pro173Ser (NM_001374325.1, NM_025133.4); short protein forms P173S, P257S.
Identifiers: ClinVar variation 2788592 (VCV002788592.3), dbSNP rs775962815, ClinGen allele CA1650023.
Genomic context (GRCh38, chr2:47,834,820, plus strand): 5'-AAGTCATAAAAATAAAAATCAAACATACCAACATATTTTCTCTTCCTTTATATCTTGCAG[G>A]GTTACTGTAGAAATGTTCAGCAAATCCTGGCTTTACATGTGCACCTTTATACTAAAATGT-3'
Protein context (NP_001177203.1, residues 247-267): PGFAEHFYSN[Pro257Ser]ARYKGRENML

ClinVar aggregate classification (germline): Uncertain significance (1 of 4 stars; one submission).

Allele frequency attached by ClinVar (database versions not stated): gnomAD exomes below 0.00001; ExAC 0.00001; gnomAD 0.00001; TOPMed 0.00001.

Submission:

Labcorp Genetics (formerly Invitae), Labcorp
Classification: Uncertain significance. Last evaluated: 2023-02-24. Review status: criteria provided, single submitter. Criteria: Invitae Variant Classification Sherloc (09022015). Collection method: clinical testing. Allele origin: germline.
Comment: This sequence change replaces proline, which is neutral and non-polar, with serine, which is neutral and polar, at codon 257 of the FBXO11 protein (p.Pro257Ser). In summary, the available evidence is currently insufficient to determine the role of this variant in disease. Therefore, it has been classified as a Variant of Uncertain Significance. An algorithm developed to predict the effect of missense changes on protein structure and function (PolyPhen-2) suggests that this variant is likely to be tolerated. This variant has not been reported in the literature in individuals affected with FBXO11-related conditions. This variant is present in population databases (rs775962815, gnomAD 0.002%).